The following is an entry in ClinVar:

ClinVar aggregate classification (germline): Uncertain significance. Review status: criteria provided, multiple submitters, no conflicts (2 of 4 stars). 2 submissions from 2 submitters: Uncertain significance (2). Last evaluated 2023-08-01.

Submissions (2):

CeGaT Center for Human Genetics Tuebingen
Classification: Uncertain significance. Last evaluated: 2023-08-01. Review status: criteria provided, single submitter. Criteria: CeGaT Center For Human Genetics Tuebingen Variant Classification Criteria Version 2. Collection method: clinical testing. Allele origin: germline. Affected: yes. Observed: 1 variant allele.
Comment: IFT140: PM2, PM3:Supporting, PP4, BP4

Blueprint Genetics
Classification: Uncertain significance. Last evaluated: 2019-11-20. Review status: criteria provided, single submitter. Criteria: ACMG Guidelines, 2015. Collection method: clinical testing. Allele origin: germline.

NM_014714.4(IFT140):c.2243A>G (p.His748Arg)

Gene: IFT140 (intraflagellar transport 140; minus strand). Cytogenetic location: 16p13.3.
Variant type: single nucleotide variant.
Coding change: c.2243A>G on transcript NM_014714.4 (MANE Select); coding-DNA position 2243, A replaced by G.
Protein change: p.His748Arg; replaces histidine 748 with arginine.
Molecular consequence: missense variant.
Genome position (GRCh38, 1-based): chr16:1,558,091, T>C on the plus strand (A>G on the coding strand, the complement: IFT140 is on the minus strand). VCF-style: chr16-1558091-T-C. GRCh37 (hg19) VCF-style: chr16-1608092-T-C.
Other names: short protein forms H748R.
Identifiers: ClinVar variation 867029 (VCV000867029.27), dbSNP rs2033204478, ClinGen allele CA394201135.